The following is an entry in ClinVar:

ClinVar aggregate classification (germline): Uncertain significance (0 of 4 stars; one submission).

Conditions:
Prostate cancer. Also called: Malignant tumor of prostate. Identifiers: Orphanet 1331, MedGen C0376358, MONDO:0008315, HP:0012125.

Submission:

Science for Life laboratory,  Karolinska Institutet
Classification: Uncertain significance for Malignant tumor of prostate. Review status: no assertion criteria provided. Collection method: not provided. Allele origin: somatic.
Comment: TumorID:SWE-91A
ClinVar note: Converted during submission from Unknown to Uncertain significance.

NM_014683.4(ULK2):c.514G>T (p.Ala172Ser)

Gene: ULK2 (unc-51 like autophagy activating kinase 2; minus strand). Cytogenetic location: 17p11.2.
Variant type: single nucleotide variant.
Coding change: c.514G>T on transcript NM_014683.4 (MANE Select); coding-DNA position 514, G replaced by T.
Protein change: p.Ala172Ser; replaces alanine 172 with serine.
Molecular consequence: missense variant.
Genome position (GRCh38, 1-based): chr17:19,845,333, C>A on the plus strand (G>T on the coding strand, the complement: ULK2 is on the minus strand). VCF-style: chr17-19845333-C-A. GRCh37 (hg19) VCF-style: chr17-19748646-C-A.
Other names: c.514G>T, p.Ala172Ser (NM_001142610.2); short protein forms A172S.
Identifiers: ClinVar variation 161681 (VCV000161681.2), dbSNP rs193921089, ClinGen allele CA174589.
Genomic context (GRCh38, chr17:19,845,333, plus strand): 5'-TAAACACACAAGGATGCAAACACTCACTCACCATGTACATCGGGGATCCACACAGTGTTG[C>A]AGCCATCATGTTACTATGTAGGTAACGAGCAAAACCAAAATCCGCTATTTCACAAAACAG-3'
Protein context (NP_055498.3, residues 162-182): ARYLHSNMMA[Ala172Ser]TLCGSPMYMA